The following is an entry in ClinVar:

ClinVar aggregate classification (germline): Uncertain significance. Review status: criteria provided, multiple submitters, no conflicts (2 of 4 stars). 2 submissions from 2 submitters: Uncertain significance (2). Last evaluated 2026-06-13.

Conditions:
Hereditary cancer-predisposing syndrome. Also called: Neoplastic Syndromes, Hereditary; Tumor predisposition; Hereditary Cancer Syndrome; Hereditary neoplastic syndrome. Identifiers: Orphanet 140162, MedGen C0027672, MeSH D009386, MONDO:0015356.

Submissions (2):

Ambry Genetics
Classification: Uncertain significance for Hereditary cancer-predisposing syndrome. Last evaluated: 2026-06-13. Review status: criteria provided, single submitter. Criteria: Ambry Variant Classification Scheme 2023. Collection method: clinical testing. Allele origin: germline.
Comment: The p.I1999T variant (also known as c.5996T>C), located in coding exon 43 of the POLE gene, results from a T to C substitution at nucleotide position 5996. The isoleucine at codon 1999 is replaced by threonine, an amino acid with similar properties. This amino acid position is conserved. In addition, this alteration is predicted to be deleterious by in silico analysis. Based on the available evidence, the clinical significance of this variant remains unclear.

Labcorp Genetics (formerly Invitae), Labcorp
Classification: Uncertain significance. Last evaluated: 2021-09-03. Review status: criteria provided, single submitter. Criteria: Invitae Variant Classification Sherloc (09022015). Collection method: clinical testing. Allele origin: germline.
Comment: This sequence change replaces isoleucine with threonine at codon 1999 of the POLE protein (p.Ile1999Thr). The isoleucine residue is moderately conserved and there is a moderate physicochemical difference between isoleucine and threonine. This variant is not present in population databases (ExAC no frequency). This variant has not been reported in the literature in individuals affected with POLE-related conditions. Algorithms developed to predict the effect of missense changes on protein structure and function are either unavailable or do not agree on the potential impact of this missense change (SIFT: "Deleterious"; PolyPhen-2: "Benign"; Align-GVGD: "Class C15"). In summary, the available evidence is currently insufficient to determine the role of this variant in disease. Therefore, it has been classified as a Variant of Uncertain Significance.

NM_006231.4(POLE):c.5996T>C (p.Ile1999Thr)

Gene: POLE (DNA polymerase epsilon, catalytic subunit; minus strand). Cytogenetic location: 12q24.33.
Variant type: single nucleotide variant.
Coding change: c.5996T>C on transcript NM_006231.4 (MANE Select); coding-DNA position 5996, T replaced by C.
Protein change: p.Ile1999Thr; replaces isoleucine 1999 with threonine.
Molecular consequence: missense variant.
Genome position (GRCh38, 1-based): chr12:132,634,194, A>G on the plus strand (T>C on the coding strand, the complement: POLE is on the minus strand). VCF-style: chr12-132634194-A-G. GRCh37 (hg19) VCF-style: chr12-133210780-A-G.
Other names: c.5996T>C (NM_006231.2); short protein forms I1999T.
Identifiers: ClinVar variation 1365440 (VCV001365440.7), dbSNP rs2138473097, ClinGen allele CA387371412.